The following is an entry in ClinVar:

NM_001267550.2(TTN):c.105352T>C (p.Ser35118Pro)

Genes: TTN-AS1 (TTN antisense RNA 1; plus strand), TTN (titin; minus strand). Cytogenetic location: 2q31.2.
Variant type: single nucleotide variant.
Coding change: c.105352T>C on transcript NM_001267550.2 (MANE Select); coding-DNA position 105352, T replaced by C.
Protein change: p.Ser35118Pro; replaces serine 35118 with proline.
Molecular consequence: missense variant.
Genome position (GRCh38, 1-based): chr2:178,531,263, A>G on the plus strand (T>C on the coding strand, the complement: TTN is on the minus strand). VCF-style: chr2-178531263-A-G. GRCh37 (hg19) VCF-style: chr2-179395990-A-G.
Other names: c.100429T>C, p.Ser33477Pro (NM_001256850.1); c.78157T>C, p.Ser26053Pro (NM_003319.4); c.97648T>C, p.Ser32550Pro (NM_133378.4); c.78532T>C, p.Ser26178Pro (NM_133432.3); c.78733T>C, p.Ser26245Pro (NM_133437.4); short protein forms S26053P, S26245P, S32550P, S35118P, S26178P, S33477P.
Identifiers: ClinVar variation 1045205 (VCV001045205.7), dbSNP rs1689001356, ClinGen allele CA349408940.
Genomic context (GRCh38, chr2:178,531,263, plus strand): 5'-TGGACCGTGGCTTTGTTAGAATTCTTGCTGCCAAAGTCGTCTTGATCTTTCTGGTTGTGG[A>G]TTTTTCTTCCAGTGACTTTTCTTCTAATGCAGCACTTTTCATTTCTGCAGATGCAGAGTG-3'
Protein context (NP_001254479.2, residues 35108-35128): ALEEKSLEEK[Ser35118Pro]TTRKIKTTLA

ClinVar aggregate classification (germline): Uncertain significance (1 of 4 stars; one submission).

Conditions:
Dilated cardiomyopathy 1G (CMD1G). Identifiers: Orphanet 154, MedGen C1858763, MONDO:0011400, OMIM 604145.
Autosomal recessive limb-girdle muscular dystrophy type 2J (LGMDR10). Also called: Limb-girdle muscular dystrophy, type 2J; MUSCULAR DYSTROPHY, LIMB-GIRDLE, AUTOSOMAL RECESSIVE 10. Identifiers: Orphanet 140922, MedGen C1837342, MONDO:0012127, OMIM 608807.

Submission:

Labcorp Genetics (formerly Invitae), Labcorp
Classification: Uncertain significance for Dilated cardiomyopathy 1G; Autosomal recessive limb-girdle muscular dystrophy type 2J. Last evaluated: 2022-08-09. Review status: criteria provided, single submitter. Criteria: Invitae Variant Classification Sherloc (09022015). Collection method: clinical testing. Allele origin: germline.
Comment: Experimental studies and prediction algorithms are not available or were not evaluated, and the functional significance of this variant is currently unknown. In summary, the available evidence is currently insufficient to determine the role of this variant in disease. Therefore, it has been classified as a Variant of Uncertain Significance. This variant is located in the M band of TTN (PMID: 25589632). Variants in this region may be relevant for neuromuscular disorders, but have not been definitively shown to cause cardiomyopathy (PMID: 23975875). ClinVar contains an entry for this variant (Variation ID: 1045205). This variant has not been reported in the literature in individuals affected with TTN-related conditions. This variant is not present in population databases (gnomAD no frequency). This sequence change replaces serine, which is neutral and polar, with proline, which is neutral and non-polar, at codon 35118 of the TTN protein (p.Ser35118Pro).

Literature cited by the submitters: PubMed 25589632; PubMed 23975875.